The following is an entry in ClinVar:

NM_005401.5(PTPN14):c.1958T>G (p.Met653Arg)

Gene: PTPN14 (protein tyrosine phosphatase non-receptor type 14; minus strand). Cytogenetic location: 1q32.3.
Variant type: single nucleotide variant.
Coding change: c.1958T>G on transcript NM_005401.5 (MANE Select); coding-DNA position 1958, T replaced by G.
Protein change: p.Met653Arg; replaces methionine 653 with arginine.
Molecular consequence: missense variant.
Genome position (GRCh38, 1-based): chr1:214,383,897, A>C on the plus strand (T>G on the coding strand, the complement: PTPN14 is on the minus strand). VCF-style: chr1-214383897-A-C. GRCh37 (hg19) VCF-style: chr1-214557240-A-C.
Other names: short protein forms M653R.
Identifiers: ClinVar variation 4822066 (VCV004822066.4).

ClinVar aggregate classification (germline): Uncertain significance (1 of 4 stars; one submission).

gnomAD v4.1: 2 of 1,613,318 alleles (0.00012%); highest among the groups gnomAD compares: Non-Finnish European, 0.00017%; no homozygotes.

Submission:

CeGaT Center for Human Genetics Tuebingen
Classification: Uncertain significance. Last evaluated: 2026-01-01. Review status: criteria provided, single submitter. Criteria: CeGaT Center For Human Genetics Tuebingen Variant Classification Criteria Version 2. Collection method: clinical testing. Allele origin: germline. Affected: yes. Observed: 1 variant allele.
Comment: PTPN14: PM2, BP4